The following is an entry in ClinVar:

ClinVar aggregate classification (germline): Likely pathogenic (0 of 4 stars; one submission).

Conditions:
Nephrotic syndrome. Identifiers: MedGen C0027726, MONDO:0005377, HP:0000100.

Submission:

Sydney Genome Diagnostics, Children's Hospital Westmead
Classification: Likely pathogenic for Nephrotic syndrome. Last evaluated: 2019-03-18. Review status: no assertion criteria provided. Collection method: clinical testing. Allele origin: unknown. Affected: yes. Observed: 1 variant allele, 1 heterozygote.
Comment: The variant has not been reported in any population databases (i.e. gnomAD, ExAC, ESP or dbSNP). This variant was also found to segregate with diease in this family as it was identified in the her clinically affected daughter and granddaughter and was not identified in her unaffected siblings and mother. In silico analysis of pathogenicity (through Alamut Visual v2.8.1) using PolyPhen2, SIFT and MutationTaster all predict this variant (c.388C>T p.(Pro130Ser)) to be a likely pathogenic variant. This variant is considered to be likely pathogenic according to the ACMG guidelines

NM_000278.5(PAX2):c.388C>T (p.Pro130Ser)

Gene: PAX2 (paired box 2; plus strand). Cytogenetic location: 10q24.31.
Variant type: single nucleotide variant.
Coding change: c.388C>T on transcript NM_000278.5 (MANE Select); coding-DNA position 388, C replaced by T.
Protein change: p.Pro130Ser; replaces proline 130 with serine.
Molecular consequence: missense variant.
Genome position (GRCh38, 1-based): chr10:100,750,869, C>T. VCF-style: chr10-100750869-C-T. GRCh37 (hg19) VCF-style: chr10-102510626-C-T.
Other names: c.481C>T, p.Pro161Ser (NM_001304569.2); c.388C>T, p.Pro130Ser (NM_003987.5, NM_003988.5, NM_003989.5 and 1 more transcripts); short protein forms P130S, P161S.
Identifiers: ClinVar variation 988169 (VCV000988169.1), dbSNP rs1054215531, ClinGen allele CA378258170.